The following is an entry in ClinVar:

NM_001008212.2(OPTN):c.1704A>C (p.Leu568Phe)

Gene: OPTN (optineurin; plus strand). Cytogenetic location: 10p13.
Variant type: single nucleotide variant.
Coding change: c.1704A>C on transcript NM_001008212.2 (MANE Select); coding-DNA position 1704, A replaced by C.
Protein change: p.Leu568Phe; replaces leucine 568 with phenylalanine.
Molecular consequence: missense variant.
Genome position (GRCh38, 1-based): chr10:13,136,836, A>C. VCF-style: chr10-13136836-A-C. GRCh37 (hg19) VCF-style: chr10-13178836-A-C.
Other names: c.1704A>C, p.Leu568Phe (NM_001008211.1, NM_001008213.1, NM_021980.4); short protein forms L568F.
Identifiers: ClinVar variation 2094301 (VCV002094301.4), dbSNP rs1588456364, ClinGen allele CA376030830.

ClinVar aggregate classification (germline): Uncertain significance (1 of 4 stars; one submission).

Conditions:
Glaucoma 1, open angle, E. Identifiers: MedGen C1842026, MONDO:0007665.
Primary open angle glaucoma (POAG). Also called: OPTN-related open angle glaucoma. Identifiers: MedGen C0339573, MONDO:0100553, OMIM 137760.
Amyotrophic lateral sclerosis type 12 (ALS12). Also called: AMYOTROPHIC LATERAL SCLEROSIS 12 WITH OR WITHOUT FRONTOTEMPORAL DEMENTIA. Identifiers: Orphanet 803, MedGen C3150692, MONDO:0013264, OMIM 613435.

gnomAD v4.1: 5 of 1,614,210 alleles (0.00031%); highest among the groups gnomAD compares: Non-Finnish European, 0.00042%; no homozygotes.

Submission:

Labcorp Genetics (formerly Invitae), Labcorp
Classification: Uncertain significance for Primary open angle glaucoma; Glaucoma 1, open angle, E; Amyotrophic lateral sclerosis type 12. Last evaluated: 2023-11-07. Review status: criteria provided, single submitter. Criteria: Invitae Variant Classification Sherloc (09022015). Collection method: clinical testing. Allele origin: germline.
Comment: This sequence change replaces leucine, which is neutral and non-polar, with phenylalanine, which is neutral and non-polar, at codon 568 of the OPTN protein (p.Leu568Phe). This variant is not present in population databases (gnomAD no frequency). This variant has not been reported in the literature in individuals affected with OPTN-related conditions. ClinVar contains an entry for this variant (Variation ID: 2094301). Advanced modeling of protein sequence and biophysical properties (such as structural, functional, and spatial information, amino acid conservation, physicochemical variation, residue mobility, and thermodynamic stability) performed at Invitae indicates that this missense variant is expected to disrupt OPTN protein function with a positive predictive value of 80%. In summary, the available evidence is currently insufficient to determine the role of this variant in disease. Therefore, it has been classified as a Variant of Uncertain Significance.